The following is an entry in ClinVar:

NM_000548.5(TSC2):c.1816A>T (p.Ile606Phe)

Gene: TSC2 (TSC complex subunit 2; plus strand). Cytogenetic location: 16p13.3.
Variant type: single nucleotide variant.
Coding change: c.1816A>T on transcript NM_000548.5 (MANE Select); coding-DNA position 1816, A replaced by T.
Protein change: p.Ile606Phe; replaces isoleucine 606 with phenylalanine.
Molecular consequence: missense variant. On other transcripts: non-coding transcript variant (5).
Genome position (GRCh38, 1-based): chr16:2,070,555, A>T. VCF-style: chr16-2070555-A-T. GRCh37 (hg19) VCF-style: chr16-2120556-A-T.
Other names: c.1804A>T, p.Ile602Phe (NM_001406671.1, NM_001406673.1); c.1669A>T, p.Ile557Phe (NM_001406675.1, NM_001406676.1, NM_001406679.1 and 1 more transcripts); c.1759A>T, p.Ile587Phe (NM_001406677.1); c.1705A>T, p.Ile569Phe (NM_001406678.1, NM_001318827.2, NM_001406670.1); c.1216A>T, p.Ile406Phe (NM_001406680.1, NM_001318831.2, NM_001406682.1 and 6 more transcripts); c.1354A>T, p.Ile452Phe (NM_001406681.1); c.1816A>T, p.Ile606Phe (NM_001077183.3, NM_001114382.3, NM_001363528.2 and 6 more transcripts); c.1849A>T, p.Ile617Phe (NM_001318832.2); and 3 more; short protein forms I158F, I406F, I452F, I557F, I569F, I587F, I602F, I606F.
Identifiers: ClinVar variation 2578063 (VCV002578063.5), dbSNP rs371074761, ClinGen allele CA394272979.

ClinVar aggregate classification (germline): Uncertain significance. Review status: criteria provided, multiple submitters, no conflicts (2 of 4 stars). 3 submissions from 3 submitters: Uncertain significance (3). Last evaluated 2023-11-28.

Conditions:
Tuberous sclerosis 2 (TSC2). Identifiers: Orphanet 805, MedGen C1860707, MONDO:0013199, OMIM 613254.
Hereditary cancer-predisposing syndrome. Also called: Neoplastic Syndromes, Hereditary; Hereditary Cancer Syndrome; Tumor predisposition; Hereditary neoplastic syndrome. Identifiers: Orphanet 140162, MedGen C0027672, MeSH D009386, MONDO:0015356.

Submissions (3):

Ambry Genetics
Classification: Uncertain significance for Hereditary cancer-predisposing syndrome. Last evaluated: 2023-11-28. Review status: criteria provided, single submitter. Criteria: Ambry Variant Classification Scheme 2023. Collection method: clinical testing. Allele origin: germline.
Comment: The p.I606F variant (also known as c.1816A>T), located in coding exon 16 of the TSC2 gene, results from an A to T substitution at nucleotide position 1816. The isoleucine at codon 606 is replaced by phenylalanine, an amino acid with highly similar properties. This amino acid position is conserved. In addition, the in silico prediction for this alteration is inconclusive. Since supporting evidence is limited at this time, the clinical significance of this alteration remains unclear.

GeneDx
Classification: Uncertain significance. Last evaluated: 2023-03-02. Review status: criteria provided, single submitter. Criteria: GeneDx Variant Classification Process June 2021. Collection method: clinical testing. Allele origin: germline. Affected: yes.
Comment: Not observed at significant frequency in large population cohorts (gnomAD); In silico analysis supports that this missense variant does not alter protein structure/function; Has not been previously published as pathogenic or benign to our knowledge

Labcorp Genetics (formerly Invitae), Labcorp
Classification: Uncertain significance for Tuberous sclerosis 2. Last evaluated: 2022-11-10. Review status: criteria provided, single submitter. Criteria: Invitae Variant Classification Sherloc (09022015). Collection method: clinical testing. Allele origin: germline.
Comment: This sequence change replaces isoleucine, which is neutral and non-polar, with phenylalanine, which is neutral and non-polar, at codon 606 of the TSC2 protein (p.Ile606Phe). This variant is not present in population databases (gnomAD no frequency). This variant has not been reported in the literature in individuals affected with TSC2-related conditions. Advanced modeling of protein sequence and biophysical properties (such as structural, functional, and spatial information, amino acid conservation, physicochemical variation, residue mobility, and thermodynamic stability) performed at Invitae indicates that this missense variant is not expected to disrupt TSC2 protein function. In summary, the available evidence is currently insufficient to determine the role of this variant in disease. Therefore, it has been classified as a Variant of Uncertain Significance.